The following is an entry in ClinVar:

NM_000748.3(CHRNB2):c.859G>A (p.Val287Met)

Gene: CHRNB2 (cholinergic receptor nicotinic beta 2 subunit; plus strand). Cytogenetic location: 1q21.3.
Variant type: single nucleotide variant.
Coding change: c.859G>A on transcript NM_000748.3 (MANE Select); coding-DNA position 859, G replaced by A.
Protein change: p.Val287Met; replaces valine 287 with methionine.
Molecular consequence: missense variant.
Genome position (GRCh38, 1-based): chr1:154,571,682, G>A. VCF-style: chr1-154571682-G-A. GRCh37 (hg19) VCF-style: chr1-154544158-G-A.
Other names: short protein forms V287M.
Identifiers: ClinVar variation 17496 (VCV000017496.53), dbSNP rs74315291, ClinGen allele CA341464.

ClinVar aggregate classification (germline): Pathogenic. Review status: criteria provided, multiple submitters, no conflicts (2 of 4 stars). 6 submissions from 5 submitters: Pathogenic (5). 1 of the submissions does not count toward it. Last evaluated 2024-02-16.

Conditions:
Familial sleep-related hypermotor epilepsy. Also called: Autosomal Dominant Sleep-Related Hypermotor (Hyperkinetic) Epilepsy. Identifiers: Orphanet 98784, MedGen C3696898, MONDO:0000030.
Inborn genetic diseases. Identifiers: MedGen C0950123, MeSH D030342.
Autosomal dominant nocturnal frontal lobe epilepsy 3. Also called: CHRNB2-Related Nocturnal Frontal Lobe Epilepsy, Autosomal Dominant. Identifiers: Orphanet 98784, MedGen C1854335, MONDO:0011545, OMIM 605375.
Autosomal dominant nocturnal frontal lobe epilepsy 1. Also called: EPILEPSY, NOCTURNAL FRONTAL LOBE, TYPE 1; CHRNA4-Related Nocturnal Frontal Lobe Epilepsy, Autosomal Dominant. Identifiers: Orphanet 98784, MedGen C1838049, MONDO:0010899, OMIM 600513.

Submissions (6):

Ambry Genetics
Classification: Pathogenic for Inborn genetic diseases. Last evaluated: 2024-02-16. Review status: criteria provided, single submitter. Criteria: Ambry Variant Classification Scheme 2023. Collection method: clinical testing. Allele origin: germline.
Comment: The c.859G>A (p.V287M) alteration is located in exon 5 (coding exon 5) of the CHRNB2 gene. This alteration results from a G to A substitution at nucleotide position 859, causing the valine (V) at amino acid position 287 to be replaced by a methionine (M). This variant was not reported in population-based cohorts in the Genome Aggregation Database (gnomAD). This variant was reported to segregate in two large families with varying severities of sleep-related hypermotor epilepsy and showed incomplete penetrance (Phillips, 2001; D&iacute;az-Otero, 2008). Another alteration at the same codon, c.859G>C (p.V287L), has been described in a large family with nocturnal frontal lobe epilepsy (De Fusco, 2000). This amino acid position is highly conserved in available vertebrate species. This missense alteration is located in a region that has a low rate of benign missense variation (Lek, 2016; Firth, 2009). In two assays testing desensitization properties, this variant showed functionally altered results (Phillips, 2001; Hoda, 2008). This alteration is predicted to be deleterious by in silico analysis. Based on the available evidence, this alteration is classified as pathogenic.

Institute of Human Genetics, University of Leipzig Medical Center
Classification: Pathogenic for Autosomal dominant nocturnal frontal lobe epilepsy 1. Last evaluated: 2024-01-30. Review status: criteria provided, single submitter. Criteria: ACMG Guidelines, 2015. Collection method: clinical testing. Allele origin: paternal. Inheritance: Autosomal dominant inheritance. Affected: yes.
Comment: Criteria applied: PS4,PM5_STR,PS3_MOD,PP1_MOD,PM2_SUP,PP3

Labcorp Genetics (formerly Invitae), Labcorp
Classification: Pathogenic. Last evaluated: 2023-06-27. Review status: criteria provided, single submitter. Criteria: Invitae Variant Classification Sherloc (09022015). Collection method: clinical testing. Allele origin: germline.
Comment: This sequence change replaces valine, which is neutral and non-polar, with methionine, which is neutral and non-polar, at codon 287 of the CHRNB2 protein (p.Val287Met). This variant is not present in population databases (gnomAD no frequency). This missense change has been observed in individuals with autosomal dominant nocturnal frontal lobe epilepsy (PMID: 11104662, 17900292). It has also been observed to segregate with disease in related individuals. ClinVar contains an entry for this variant (Variation ID: 17496). Advanced modeling of protein sequence and biophysical properties (such as structural, functional, and spatial information, amino acid conservation, physicochemical variation, residue mobility, and thermodynamic stability) performed at Invitae indicates that this missense variant is not expected to disrupt CHRNB2 protein function. Experimental studies have shown that this missense change affects CHRNB2 function (PMID: 11104662, 18456869, 22036597). For these reasons, this variant has been classified as Pathogenic.

Institute of Human Genetics, University of Leipzig Medical Center
Classification: Pathogenic for Autosomal dominant nocturnal frontal lobe epilepsy 3. Last evaluated: 2022-03-30. Review status: criteria provided, single submitter. Criteria: ACMG Guidelines, 2015. Collection method: clinical testing. Allele origin: unknown. Affected: yes.
Comment: _x000D_ Criteria applied: PS1, PM5_STR, PS3_MOD, PS4_MOD, PP1_MOD, PM2_SUP, PP3

CeGaT Center for Human Genetics Tuebingen
Classification: Pathogenic. Last evaluated: 2017-10-01. Review status: criteria provided, single submitter. Criteria: CeGaT Center For Human Genetics Tuebingen Variant Classification Criteria Version 2. Collection method: clinical testing. Allele origin: germline. Affected: yes. Observed: 1 variant allele.

OMIM
Classification: Pathogenic for EPILEPSY, NOCTURNAL FRONTAL LOBE, 3. Last evaluated: 2001-01-01. Review status: no assertion criteria provided. Collection method: literature only. Allele origin: germline. Not counted in ClinVar's aggregate classification.

Literature cited by the submitters: PubMed 11062464 (cited by Ambry Genetics and OMIM); PubMed 11104662 (cited by 3 submitters); PubMed 17900292 (cited by Ambry Genetics and Labcorp Genetics (formerly Invitae), Labcorp); PubMed 18456869 (cited by Ambry Genetics and Labcorp Genetics (formerly Invitae), Labcorp); PubMed 22036597 (cited by Labcorp Genetics (formerly Invitae), Labcorp).